The following is an entry in ClinVar:

ClinVar aggregate classification (germline): Pathogenic/Likely pathogenic. Review status: criteria provided, multiple submitters, no conflicts (2 of 4 stars). 3 submissions from 3 submitters: Pathogenic (1); Likely pathogenic (1). 1 of the submissions does not count toward it. Last evaluated 2025-02-28.

Conditions:
Pendred syndrome (PDS). Also called: DEAFNESS WITH GOITER; Pendred's syndrome; GOITER-DEAFNESS SYNDROME; HYPOTHYROIDISM, CONGENITAL, DUE TO DYSHORMONOGENESIS, 2B; THYROID DYSHORMONOGENESIS 2B; THYROID HORMONOGENESIS, GENETIC DEFECT IN, 2B. Identifiers: Orphanet 705, MedGen C0271829, MONDO:0010134, OMIM 274600.

Allele frequency attached by ClinVar (database versions not stated): gnomAD exomes 0.00001 and below 0.00001; ExAC 0.00002.
gnomAD v4.1: 2 of 1,609,652 alleles (0.00012%); highest among the groups gnomAD compares: Non-Finnish European, 0.00017%; no homozygotes.

Submissions (3):

Natera, Inc.
Classification: Likely pathogenic for Pendred syndrome. Last evaluated: 2025-02-28. Review status: criteria provided, single submitter. Criteria: Natera Variant Classification Schema (03/2026). Collection method: clinical testing. Allele origin: germline.
Comment: The c.1768A>T variant in SLC26A4 is a nonsense variant predicted to introduce a stop codon at amino acid 590. This variant is expected to result in nonsense mediated decay, truncation, or a dysfunctional protein product. This variant is rare in the general population with a frequency below the threshold expected for the associated phenotype(s). Given the available evidence, this variant is classified as Likely Pathogenic.

Dasa
Classification: Pathogenic. Last evaluated: 2024-07-22. Review status: criteria provided, single submitter. Criteria: DASA Assertion Criteria. Collection method: clinical testing. Allele origin: germline.
Comment: NM_000441.2(SLC26A4):c.1768A>T (p.Lys590*) introduces a premature termination codon predicted to result in loss of normal protein function. Loss-of-function is an established mechanism of disease for this gene. This variant has been reported in individuals with related phenotype (PMID: 22717225). The variant is present at low frequency in population datasets. Based on the available data, this variant is classified as pathogenic.

Counsyl
Classification: Likely pathogenic for Pendred syndrome. Last evaluated: 2017-02-09. Review status: no assertion criteria provided. Collection method: clinical testing. Allele origin: unknown. Not counted in ClinVar's aggregate classification.

Literature cited by the submitters: PubMed 22717225 (cited by Dasa and Counsyl).

NM_000441.2(SLC26A4):c.1768A>T (p.Lys590Ter)

Gene: SLC26A4 (solute carrier family 26 member 4; plus strand). Cytogenetic location: 7q22.3.
Variant type: single nucleotide variant.
Coding change: c.1768A>T on transcript NM_000441.2 (MANE Select); coding-DNA position 1768, A replaced by T.
Protein change: p.Lys590Ter; replaces lysine 590 with a stop codon.
Molecular consequence: nonsense.
Genome position (GRCh38, 1-based): chr7:107,701,161, A>T. VCF-style: chr7-107701161-A-T. GRCh37 (hg19) VCF-style: chr7-107341606-A-T.
Other names: short protein forms K590*.
Identifiers: ClinVar variation 550718 (VCV000550718.4), dbSNP rs778901860, ClinGen allele CA4432942.